The following is an entry in ClinVar:

NM_198525.3(KIF7):c.730C>T (p.Leu244Phe)

Gene: KIF7 (kinesin family member 7; minus strand). Cytogenetic location: 15q26.1.
Variant type: single nucleotide variant.
Coding change: c.730C>T on transcript NM_198525.3 (MANE Select); coding-DNA position 730, C replaced by T.
Protein change: p.Leu244Phe; replaces leucine 244 with phenylalanine.
Molecular consequence: missense variant.
Genome position (GRCh38, 1-based): chr15:89,649,167, G>A on the plus strand (C>T on the coding strand, the complement: KIF7 is on the minus strand). VCF-style: chr15-89649167-G-A. GRCh37 (hg19) VCF-style: chr15-90192398-G-A.
Other names: short protein forms L244F.
Identifiers: ClinVar variation 1388296 (VCV001388296.6), dbSNP rs1596078831, ClinGen allele CA393775157.

ClinVar aggregate classification (germline): Uncertain significance (1 of 4 stars; one submission).

Conditions:
Acrocallosal syndrome (ACLS). Also called: HALLUX DUPLICATION, POSTAXIAL POLYDACTYLY, AND ABSENCE OF CORPUS CALLOSUM; Schinzel syndrome 1; Absence of corpus callosum with unusual facial appearance, mental deficiency, duplication of the halluces and polydactyly. Identifiers: Orphanet 36, MedGen C0796147, MONDO:0008708, OMIM 200990.

Allele frequency attached by ClinVar (database versions not stated): TOPMed below 0.00001; gnomAD 0.00001.
gnomAD v4.1: 2 of 1,548,216 alleles (0.00013%); highest among the groups gnomAD compares: Non-Finnish European, 0.000087%; no homozygotes.

Submission:

Labcorp Genetics (formerly Invitae), Labcorp
Classification: Uncertain significance for Acrocallosal syndrome. Last evaluated: 2025-08-21. Review status: criteria provided, single submitter. Criteria: Invitae Variant Classification Sherloc (09022015). Collection method: clinical testing. Allele origin: germline.
Comment: This sequence change replaces leucine, which is neutral and non-polar, with phenylalanine, which is neutral and non-polar, at codon 244 of the KIF7 protein (p.Leu244Phe). This variant is not present in population databases (gnomAD no frequency). This variant has not been reported in the literature in individuals affected with KIF7-related conditions. ClinVar contains an entry for this variant (Variation ID: 1388296). Invitae Evidence Modeling of protein sequence and biophysical properties (such as structural, functional, and spatial information, amino acid conservation, physicochemical variation, residue mobility, and thermodynamic stability) has been performed for this missense variant. However, the output from this modeling did not meet the statistical confidence thresholds required to predict the impact of this variant on KIF7 protein function. In summary, the available evidence is currently insufficient to determine the role of this variant in disease. Therefore, it has been classified as a Variant of Uncertain Significance.